The following is an entry in ClinVar:

NM_004360.5(CDH1):c.961A>G (p.Arg321Gly)

Gene: CDH1 (cadherin 1; plus strand). Cytogenetic location: 16q22.1.
Variant type: single nucleotide variant.
Coding change: c.961A>G on transcript NM_004360.5 (MANE Select); coding-DNA position 961, A replaced by G.
Protein change: p.Arg321Gly; replaces arginine 321 with glycine.
Molecular consequence: missense variant. On other transcripts: 5 prime UTR variant (2).
Genome position (GRCh38, 1-based): chr16:68,811,812, A>G. VCF-style: chr16-68811812-A-G. GRCh37 (hg19) VCF-style: chr16-68845715-A-G.
Other names: c.961A>G, p.Arg321Gly (NM_001317184.2); c.-655A>G (NM_001317185.2); c.-859A>G (NM_001317186.2); short protein forms R321G.
Identifiers: ClinVar variation 491561 (VCV000491561.18), dbSNP rs1555515649, ClinGen allele CA396459814.

ClinVar aggregate classification (germline): Uncertain significance. Review status: criteria provided, multiple submitters, no conflicts (2 of 4 stars). 3 submissions from 3 submitters: Uncertain significance (3). Last evaluated 2024-09-28.

Conditions:
Hereditary cancer-predisposing syndrome. Also called: Tumor predisposition; Neoplastic Syndromes, Hereditary; Hereditary Cancer Syndrome; Hereditary neoplastic syndrome. Identifiers: Orphanet 140162, MedGen C0027672, MeSH D009386, MONDO:0015356.
Hereditary diffuse gastric adenocarcinoma (HDGC). Also called: DIFFUSE GASTRIC AND LOBULAR BREAST CANCER SYNDROME. Identifiers: Orphanet 26106, MedGen C1708349, MONDO:0007648, OMIM 137215.

Allele frequency attached by ClinVar (database versions not stated): gnomAD exomes 0.00001.
gnomAD v4.1: 3 of 1,614,208 alleles (0.00019%); highest among the groups gnomAD compares: Non-Finnish European, 0.00025%; no homozygotes.

Submissions (3):

Labcorp Genetics (formerly Invitae), Labcorp
Classification: Uncertain significance for Hereditary diffuse gastric adenocarcinoma. Last evaluated: 2024-09-28. Review status: criteria provided, single submitter. Criteria: Invitae Variant Classification Sherloc (09022015). Collection method: clinical testing. Allele origin: germline.
Comment: This sequence change replaces arginine, which is basic and polar, with glycine, which is neutral and non-polar, at codon 321 of the CDH1 protein (p.Arg321Gly). This variant is not present in population databases (gnomAD no frequency). This variant has not been reported in the literature in individuals affected with CDH1-related conditions. ClinVar contains an entry for this variant (Variation ID: 491561). An algorithm developed to predict the effect of missense changes on protein structure and function (PolyPhen-2) suggests that this variant is likely to be tolerated. In summary, the available evidence is currently insufficient to determine the role of this variant in disease. Therefore, it has been classified as a Variant of Uncertain Significance.

Color Diagnostics, LLC DBA Color Health
Classification: Uncertain significance for Hereditary cancer-predisposing syndrome. Last evaluated: 2023-12-05. Review status: criteria provided, single submitter. Criteria: ACMG Guidelines, 2015. Collection method: clinical testing. Allele origin: germline.
Comment: This missense variant replaces arginine with glycine at codon 321 of the CDH1 protein. To our knowledge, functional studies have not been reported for this variant. This variant has not been reported in individuals affected with CDH1-related disorders in the literature. This variant has not been identified in the general population by the Genome Aggregation Database (gnomAD). The available evidence is insufficient to determine the role of this variant in disease conclusively. Therefore, this variant is classified as a Variant of Uncertain Significance.

GeneDx
Classification: Uncertain significance. Last evaluated: 2023-06-04. Review status: criteria provided, single submitter. Criteria: GeneDx Variant Classification Process June 2021. Collection method: clinical testing. Allele origin: germline. Affected: yes.
Comment: Not observed at significant frequency in large population cohorts (gnomAD); In silico analysis supports that this missense variant does not alter protein structure/function; Has not been previously published as pathogenic or benign to our knowledge; This variant is associated with the following publications: (PMID: 15235021, 22850631)